The following is an entry in ClinVar:

ClinVar aggregate classification (germline): Likely benign. Review status: criteria provided, single submitter (1 of 4 stars). 2 submissions from 2 submitters: Likely benign (1). 1 of the submissions does not count toward it. Last evaluated 2023-09-10.

Conditions:
Fanconi anemia (FA). Also called: Fanconi's anemia. Identifiers: Orphanet 84, MedGen C0015625, MeSH D005199, MONDO:0019391.
Fanconi anemia complementation group A (FANCA). Also called: FANCA-Related Fanconi Anemia; Fanconi anemia, group A. Identifiers: Orphanet 84, MedGen C3469521, MONDO:0009215, OMIM 227650.

Allele frequency attached by ClinVar (database versions not stated): gnomAD exomes below 0.00001; TOPMed below 0.00001.
gnomAD v4.1: 5 of 1,551,128 alleles (0.00032%); highest among the groups gnomAD compares: Non-Finnish European, 0.00026%; no homozygotes.

Submissions (2):

Labcorp Genetics (formerly Invitae), Labcorp
Classification: Likely benign for Fanconi anemia. Last evaluated: 2023-09-10. Review status: criteria provided, single submitter. Criteria: Invitae Variant Classification Sherloc (09022015). Collection method: clinical testing. Allele origin: germline.

Istanbul Faculty of Medicine, Istanbul University
Classification: Uncertain significance for Fanconi anemia, complementation group A. Last evaluated: 2020-03-17. Review status: no assertion criteria provided. Collection method: clinical testing. Allele origin: germline. Affected: yes. Observed: 1 variant allele. Not counted in ClinVar's aggregate classification.
Comment: Segregates in family

Literature cited by the submitters: DOI 10.1159/000509838 (cited by Istanbul Faculty of Medicine, Istanbul University).

NM_000135.4(FANCA):c.3935-7G>A

Genes: ZNF276 (zinc finger protein 276; plus strand), FANCA (FA complementation group A; minus strand). Cytogenetic location: 16q24.3.
Variant type: single nucleotide variant.
Coding change: c.3935-7G>A on transcript NM_000135.4 (MANE Select); 7 bases into the intron before coding-DNA position 3935, G replaced by A.
Molecular consequence: intron variant. On other transcripts: 3 prime UTR variant (2), non-coding transcript variant (4).
Genome position (GRCh38, 1-based): chr16:89,739,560, C>T on the plus strand (G>A on the coding strand, the complement: FANCA is on the minus strand). VCF-style: chr16-89739560-C-T. GRCh37 (hg19) VCF-style: chr16-89805968-C-T.
Other names: c.*1314C>T (NM_001113525.2, NM_152287.4); c.3935-7G>A (NM_001286167.3).
Identifiers: ClinVar variation 915868 (VCV000915868.9), dbSNP rs2062071481, ClinGen allele CA1139664948.
Genomic context (GRCh38, chr16:89,739,560, plus strand): 5'-GCCTGGTGTGCTGATCCGGGGCCACACGGAGGAGGAGCCGCCCCAGCCTGAGGTCTGCAA[C>T]ACCAAGAAGTGGCTCAGGCAACTCTGGACATCTCTGCCTATTATCAGTGCTGGGGACACC-3'